The following is an entry in ClinVar:

NM_000447.3(PSEN2):c.250G>A (p.Gly84Arg)

Gene: PSEN2 (presenilin 2; plus strand). Cytogenetic location: 1q42.13.
Variant type: single nucleotide variant.
Coding change: c.250G>A on transcript NM_000447.3 (MANE Select); coding-DNA position 250, G replaced by A.
Protein change: p.Gly84Arg; replaces glycine 84 with arginine.
Molecular consequence: missense variant.
Genome position (GRCh38, 1-based): chr1:226,883,813, G>A. VCF-style: chr1-226883813-G-A. GRCh37 (hg19) VCF-style: chr1-227071514-G-A.
Other names: c.250G>A, p.Gly84Arg (NM_012486.3); short protein forms G84R.
Identifiers: ClinVar variation 1802211 (VCV001802211.5), dbSNP rs1302750366, ClinGen allele CA345329690.

ClinVar aggregate classification (germline): Uncertain significance. Review status: criteria provided, multiple submitters, no conflicts (2 of 4 stars). 2 submissions from 2 submitters: Uncertain significance (2). Last evaluated 2025-01-22.

Conditions:
Dilated cardiomyopathy 1V (CMD1V). Identifiers: Orphanet 154, MedGen C3150958, MONDO:0013373, OMIM 613697.

Allele frequency attached by ClinVar (database versions not stated): gnomAD exomes below 0.00001; gnomAD 0.00001; TOPMed 0.00001.
gnomAD v4.1: 7 of 1,614,044 alleles (0.00043%); highest among the groups gnomAD compares: African/African-American, 0.0027%; no homozygotes.

Submissions (2):

Women's Health and Genetics/Laboratory Corporation of America, LabCorp
Classification: Uncertain significance. Last evaluated: 2025-01-22. Review status: criteria provided, single submitter. Criteria: LabCorp Variant Classification Summary - May 2015. Collection method: clinical testing. Allele origin: germline.
Comment: Variant summary: PSEN2 c.250G>A (p.Gly84Arg) results in a non-conservative amino acid change in the encoded protein sequence. Five of five in-silico tools predict a damaging effect of the variant on protein function. The variant was absent in 251436 control chromosomes. The available data on variant occurrences in the general population are insufficient to allow any conclusion about variant significance. To our knowledge, no occurrence of c.250G>A in individuals affected with Alzheimer Disease 4 and no experimental evidence demonstrating its impact on protein function have been reported. ClinVar contains an entry for this variant (Variation ID: 1802211). Based on the evidence outlined above, the variant was classified as uncertain significance.

Diagnostics Services (NGS), CSIR - Centre For Cellular And Molecular Biology
Classification: Uncertain significance for Dilated cardiomyopathy 1V. Last evaluated: 2022-07-27. Review status: criteria provided, single submitter. Criteria: ACMG Guidelines, 2015. Collection method: clinical testing. Allele origin: unknown. Affected: yes. Observed: 1 variant allele, 1 heterozygote.
Comment: The c.250G>A variant is not present in publicly available population databases like 1000 Genomes, Exome Variant Server (EVS), Exome Aggregation Consortium (ExAC) and Indian Exome Database. The heterozygous state of the variant is present in Genome Aggregation Database (gnomAD), at a very low frequency. The variant is not present in our in-house exome database. The variant was not previously reported to ClinVar, Human Genome Mutation Database (HGMD) and/or OMIM databases, in any affected individuals. In-silico pathogenicity prediction programs like SIFT, Polyphen-2, MutationTaster2, CADD etc. predicted this variant to be likely deleterious, however these predictions were not confirmed by any published functional studies.